The following is an entry in ClinVar:

ClinVar aggregate classification (germline): Uncertain significance. Review status: criteria provided, multiple submitters, no conflicts (2 of 4 stars). 2 submissions from 2 submitters: Uncertain significance (2). Last evaluated 2025-06-25.

Conditions:
Inborn genetic diseases. Identifiers: MedGen C0950123, MeSH D030342.

Allele frequency attached by ClinVar (database versions not stated): gnomAD exomes below 0.00001; gnomAD 0.00001; TOPMed 0.00002.
gnomAD v4.1: 5 of 1,613,194 alleles (0.00031%); highest among the groups gnomAD compares: African/African-American, 0.0013%; no homozygotes.

Submissions (2):

Ambry Genetics
Classification: Uncertain significance for Inborn genetic diseases. Last evaluated: 2025-06-25. Review status: criteria provided, single submitter. Criteria: Ambry Variant Classification Scheme 2023. Collection method: clinical testing. Allele origin: germline.

Labcorp Genetics (formerly Invitae), Labcorp
Classification: Uncertain significance. Last evaluated: 2024-09-05. Review status: criteria provided, single submitter. Criteria: Invitae Variant Classification Sherloc (09022015). Collection method: clinical testing. Allele origin: germline.
Comment: This sequence change replaces arginine, which is basic and polar, with glutamine, which is neutral and polar, at codon 174 of the GATAD2B protein (p.Arg174Gln). This variant is not present in population databases (gnomAD no frequency). This variant has not been reported in the literature in individuals affected with GATAD2B-related conditions. Invitae Evidence Modeling of protein sequence and biophysical properties (such as structural, functional, and spatial information, amino acid conservation, physicochemical variation, residue mobility, and thermodynamic stability) indicates that this missense variant is expected to disrupt GATAD2B protein function with a positive predictive value of 80%. In summary, the available evidence is currently insufficient to determine the role of this variant in disease. Therefore, it has been classified as a Variant of Uncertain Significance.

NM_020699.4(GATAD2B):c.521G>A (p.Arg174Gln)

Gene: GATAD2B (GATA zinc finger domain containing 2B; minus strand). Cytogenetic location: 1q21.3.
Variant type: single nucleotide variant.
Coding change: c.521G>A on transcript NM_020699.4 (MANE Select); coding-DNA position 521, G replaced by A.
Protein change: p.Arg174Gln; replaces arginine 174 with glutamine.
Molecular consequence: missense variant.
Genome position (GRCh38, 1-based): chr1:153,818,867, C>T on the plus strand (G>A on the coding strand, the complement: GATAD2B is on the minus strand). VCF-style: chr1-153818867-C-T. GRCh37 (hg19) VCF-style: chr1-153791343-C-T.
Other names: c.521G>A (NM_020699.2); short protein forms R174Q.
Identifiers: ClinVar variation 3008432 (VCV003008432.4), dbSNP rs1054223377, ClinGen allele CA30710304.